The following is an entry in ClinVar:

NM_001037333.3(CYFIP2):c.1852T>A (p.Ser618Thr)

Gene: CYFIP2 (cytoplasmic FMR1 interacting protein 2; plus strand). Cytogenetic location: 5q33.3.
Variant type: single nucleotide variant.
Coding change: c.1852T>A on transcript NM_001037333.3 (MANE Select); coding-DNA position 1852, T replaced by A.
Protein change: p.Ser618Thr; replaces serine 618 with threonine.
Molecular consequence: missense variant.
Genome position (GRCh38, 1-based): chr5:157,325,508, T>A. VCF-style: chr5-157325508-T-A. GRCh37 (hg19) VCF-style: chr5-156752516-T-A.
Other names: c.1774T>A, p.Ser592Thr (NM_001291721.2); c.1927T>A, p.Ser643Thr (NM_001291722.2); c.1852T>A, p.Ser618Thr (NM_014376.4); short protein forms S643T, S592T, S618T.
Identifiers: ClinVar variation 2812272 (VCV002812272.3), dbSNP rs2532418623, ClinGen allele CA361970099.

ClinVar aggregate classification (germline): Uncertain significance (1 of 4 stars; one submission).

Submission:

Labcorp Genetics (formerly Invitae), Labcorp
Classification: Uncertain significance. Last evaluated: 2022-11-05. Review status: criteria provided, single submitter. Criteria: Invitae Variant Classification Sherloc (09022015). Collection method: clinical testing. Allele origin: germline.
Comment: In summary, the available evidence is currently insufficient to determine the role of this variant in disease. Therefore, it has been classified as a Variant of Uncertain Significance. Algorithms developed to predict the effect of missense changes on protein structure and function are either unavailable or do not agree on the potential impact of this missense change (SIFT: "Deleterious"; PolyPhen-2: "Not Available"; Align-GVGD: "Class C0"). This variant has not been reported in the literature in individuals affected with CYFIP2-related conditions. This variant is not present in population databases (gnomAD no frequency). This sequence change replaces serine, which is neutral and polar, with threonine, which is neutral and polar, at codon 618 of the CYFIP2 protein (p.Ser618Thr).